The following is an entry in ClinVar:

NM_001386298.1(CIC):c.2773A>G (p.Ile925Val)

Gene: CIC (capicua transcriptional repressor; plus strand). Cytogenetic location: 19q13.2.
Variant type: single nucleotide variant.
Coding change: c.2773A>G on transcript NM_001386298.1 (MANE Select); coding-DNA position 2773, A replaced by G.
Protein change: p.Ile925Val; replaces isoleucine 925 with valine.
Molecular consequence: missense variant.
Genome position (GRCh38, 1-based): chr19:42,274,556, A>G. VCF-style: chr19-42274556-A-G. GRCh37 (hg19) VCF-style: chr19-42778708-A-G.
Other names: c.2773A>G, p.Ile925Val (NM_001304815.2, NM_001379480.1, NM_001379482.1 and 1 more transcripts); short protein forms I925V.
Identifiers: ClinVar variation 3029981 (VCV003029981.2), dbSNP rs2147028811, ClinGen allele CA406090888.
Genomic context (GRCh38, chr19:42,274,556, plus strand): 5'-CTGTTGCCCGTTTTGGTGCCCAGCAGCTATACCAGCCACCCTGCCCCCAAGAAGGAAGTC[A>G]TCATGGGCCGGCCTGGAACAGGTAAGAGGTGGAAGTGGATGGGCTGCGCCAGGCTCACCT-3'
Protein context (NP_001373227.1, residues 915-935): TSHPAPKKEV[Ile925Val]MGRPGTVWTN

ClinVar aggregate classification (germline): Uncertain significance (0 of 4 stars; one submission).

Conditions:
CIC-related disorder. Also called: CIC-related condition.

Submission:

PreventionGenetics, part of Exact Sciences
Classification: Uncertain significance for CIC-related condition. Last evaluated: 2023-12-27. Review status: no assertion criteria provided. Collection method: clinical testing. Allele origin: germline.
Comment: The CIC c.2773A>G variant is predicted to result in the amino acid substitution p.Ile925Val. To our knowledge, this variant has not been reported in the literature or in a large population database, indicating this variant is rare. At this time, the clinical significance of this variant is uncertain due to the absence of conclusive functional and genetic evidence.